The following is an entry in ClinVar:

ClinVar aggregate classification (germline): Benign (1 of 4 stars; one submission).

Conditions:
Pseudohypoparathyroidism type 1B (PHP1B). Also called: PHP IB; Pseudohypoparathyroidism Ib (PHP-Ib); Pseudohypoparathyroidism Type IB. Identifiers: Orphanet 94089, MedGen C1864100, MONDO:0011301, OMIM 603233.

Allele frequency attached by ClinVar (database versions not stated): gnomAD 0.00170 and 0.00172; TOPMed 0.00192; 1000 Genomes Project 30x 0.00219; 1000 Genomes Project 0.00220.

Submission:

Illumina Laboratory Services, Illumina
Classification: Benign for Pseudohypoparathyroidism type 1B. Last evaluated: 2018-01-12. Review status: criteria provided, single submitter. Criteria: ICSL Variant Classification Criteria 13 December 2019. Collection method: clinical testing. Allele origin: germline.
Comment: This variant was observed in the ICSL laboratory as part of a predisposition screen in an ostensibly healthy population. It had not been previously curated by ICSL or reported in the Human Gene Mutation Database (HGMD: prior to June 1st, 2018), and was therefore a candidate for classification through an automated scoring system. Utilizing variant allele frequency, disease prevalence and penetrance estimates, and inheritance mode, an automated score was calculated to assess if this variant is too frequent to cause the disease. Based on the score and internal cut-off values, a variant classified as benign is not then subjected to further curation. The score for this variant resulted in a classification of benign for this disease.

NM_001001433.3(STX16):c.*2293G>A

Genes: STX16 (syntaxin 16; plus strand), STX16-NPEPL1 (STX16-NPEPL1 readthrough (NMD candidate); plus strand). Cytogenetic location: 20q13.32.
Variant type: single nucleotide variant.
Coding change: c.*2293G>A on transcript NM_001001433.3 (MANE Select); 2293 bases downstream of the stop codon, G replaced by A.
Molecular consequence: 3 prime UTR variant. On other transcripts: non-coding transcript variant (3).
Genome position (GRCh38, 1-based): chr20:58,678,584, G>A. VCF-style: chr20-58678584-G-A. GRCh37 (hg19) VCF-style: chr20-57253640-G-A.
Other names: c.*2293G>A (NM_001134772.3, NM_001134773.3, NM_001204868.2 and 1 more transcripts).
Identifiers: ClinVar variation 339095 (VCV000339095.5), dbSNP rs185815575, ClinGen allele CA10644243.